The following is an entry in ClinVar:

NM_000455.5(STK11):c.595G>A (p.Glu199Lys)

Gene: STK11 (serine/threonine kinase 11; plus strand). Cytogenetic location: 19p13.3.
Variant type: single nucleotide variant.
Coding change: c.595G>A on transcript NM_000455.5 (MANE Select); coding-DNA position 595, G replaced by A.
Protein change: p.Glu199Lys; replaces glutamic acid 199 with lysine.
Molecular consequence: missense variant.
Genome position (GRCh38, 1-based): chr19:1,220,503, G>A. VCF-style: chr19-1220503-G-A. GRCh37 (hg19) VCF-style: chr19-1220502-G-A.
Other names: short protein forms E199K.
Identifiers: ClinVar variation 376337 (VCV000376337.18), dbSNP rs121913317, ClinGen allele CA16602780.
Genomic context (GRCh38, chr19:1,220,503, plus strand): 5'-CCGGGGAACCTGCTGCTCACCACCGGTGGCACCCTCAAAATCTCCGACCTGGGCGTGGCC[G>A]AGGTAGGCACGTGCTAGGGGGGGCCCTGGGGCGCCCCCTCCCGGGCACTCCCTGAGGGCT-3'
Protein context (NP_000446.1, residues 189-209): TLKISDLGVA[Glu199Lys]ALHPFAADDT

ClinVar aggregate classification (germline): Uncertain significance. Review status: criteria provided, multiple submitters, no conflicts (2 of 4 stars). 3 submissions from 3 submitters: Uncertain significance (3). Last evaluated 2025-10-01.

Conditions:
Hereditary cancer-predisposing syndrome. Also called: Hereditary neoplastic syndrome; Tumor predisposition; Neoplastic Syndromes, Hereditary; Hereditary Cancer Syndrome. Identifiers: Orphanet 140162, MedGen C0027672, MeSH D009386, MONDO:0015356.
Peutz-Jeghers syndrome (PJS). Also called: Peutz-Jeghers polyposis; Periorificial lentiginosis syndrome; POLYPOSIS, HAMARTOMATOUS INTESTINAL; POLYPS-AND-SPOTS SYNDROME. Identifiers: Orphanet 2869, MedGen C0031269, MeSH D010580, MONDO:0008280, OMIM 175200.

Allele frequency attached by ClinVar (database versions not stated): gnomAD exomes below 0.00001.
gnomAD v4.1: 3 of 1,602,488 alleles (0.00019%); highest among the groups gnomAD compares: Non-Finnish European, 0.00026%; no homozygotes.

Submissions (3):

Labcorp Genetics (formerly Invitae), Labcorp
Classification: Uncertain significance for Peutz-Jeghers syndrome. Last evaluated: 2025-10-01. Review status: criteria provided, single submitter. Criteria: Invitae Variant Classification Sherloc (09022015). Collection method: clinical testing. Allele origin: germline.
Comment: This sequence change replaces glutamic acid, which is acidic and polar, with lysine, which is basic and polar, at codon 199 of the STK11 protein (p.Glu199Lys). This variant is not present in population databases (gnomAD no frequency). This variant has not been reported in the literature in individuals affected with STK11-related conditions. ClinVar contains an entry for this variant (Variation ID: 376337). An algorithm developed to predict the effect of missense changes on protein structure and function (PolyPhen-2) suggests that this variant is likely to be disruptive. Experimental studies are conflicting or provide insufficient evidence to determine the effect of this variant on STK11 function (PMID: 10676634, 19892943). In summary, the available evidence is currently insufficient to determine the role of this variant in disease. Therefore, it has been classified as a Variant of Uncertain Significance.

Ambry Genetics
Classification: Uncertain significance for Hereditary cancer-predisposing syndrome. Last evaluated: 2024-10-11. Review status: criteria provided, single submitter. Criteria: Ambry Variant Classification Scheme 2023. Collection method: clinical testing. Allele origin: germline.
Comment: The p.E199K variant (also known as c.595G>A), located in coding exon 4 of the STK11 gene, results from a G to A substitution at nucleotide position 595. The glutamic acid at codon 199 is replaced by lysine, an amino acid with similar properties. In one functional study, this alteration was reported to impair LKB1 catalytic activity (Zeqiraj E et al. Science, 2009 Dec;326:1707-11). However, another functional study concluded that this alteration does not alter the kinase activity of LKB1 (Launonen V et al. Cancer Res., 2000 Feb;60:546-8). This amino acid position is highly conserved in available vertebrate species. In addition, this alteration is predicted to be deleterious by in silico analysis. Since supporting evidence is limited at this time, the clinical significance of this alteration remains unclear.

Genome-Nilou Lab
Classification: Uncertain significance for Peutz-Jeghers syndrome. Last evaluated: 2021-07-15. Review status: criteria provided, single submitter. Criteria: ACMG Guidelines, 2015. Collection method: clinical testing. Allele origin: germline. Affected: no.

Literature cited by the submitters: PubMed 10676634 (cited by Labcorp Genetics (formerly Invitae), Labcorp and Ambry Genetics); PubMed 19892943 (cited by Labcorp Genetics (formerly Invitae), Labcorp and Ambry Genetics); PubMed 23639312 (cited by Ambry Genetics); PubMed 25157968 (cited by Ambry Genetics); PubMed 27081308 (cited by Ambry Genetics); PubMed 9731485 (cited by Ambry Genetics).